The following is an entry in ClinVar:

ClinVar aggregate classification (germline): Conflicting classifications of pathogenicity. Review status: criteria provided, conflicting classifications (1 of 4 stars). 3 submissions from 3 submitters: Uncertain significance (1); Likely benign (1). 1 of the submissions does not count toward it. Last evaluated 2025-10-28.

Conditions:
Myoglobinuria, acute recurrent, autosomal recessive. Also called: Myoglobinuria, recurrent, autosomal recessive; MYOGLOBINURIA, FAMILIAL PAROXYSMAL PARALYTIC; RHABDOMYOLYSIS, ACUTE RECURRENT. Identifiers: Orphanet 99845, MedGen C1849386, MONDO:0009992, OMIM 268200.
LPIN1-related disorder. Also called: LPIN1-related condition.

Allele frequency attached by ClinVar (database versions not stated): gnomAD 0.00003; TOPMed 0.00004; ESP Exome Variant Server 0.00015.
gnomAD v4.1: 120 of 1,613,924 alleles (0.0074%); highest among the groups gnomAD compares: Middle Eastern, 0.033%; no homozygotes.

Submissions (4):

Labcorp Genetics (formerly Invitae), Labcorp
Classification: Likely benign. Last evaluated: 2025-10-28. Review status: criteria provided, single submitter. Criteria: Invitae Variant Classification Sherloc (09022015). Collection method: clinical testing. Allele origin: germline.

Illumina Laboratory Services, Illumina
Classification: Uncertain significance for Myoglobinuria, acute recurrent, autosomal recessive. Last evaluated: 2018-01-13. Review status: criteria provided, single submitter. Criteria: ICSL Variant Classification Criteria 13 December 2019. Collection method: clinical testing. Allele origin: germline.

PreventionGenetics, part of Exact Sciences
Classification: Likely benign for LPIN1-related condition. Last evaluated: 2020-10-23. Review status: no assertion criteria provided. Collection method: clinical testing. Allele origin: germline. Not counted in ClinVar's aggregate classification.
Comment: This variant is classified as likely benign based on ACMG/AMP sequence variant interpretation guidelines (Richards et al. 2015 PMID: 25741868, with internal and published modifications).

Dr. Peter K. Rogan Lab, Western University
No classification provided (evidence only). Condition: Familial cancer of breast. Review status: no classification provided. Collection method: in vitro. Allele origin: not applicable. Functional consequence: retained intron. Not counted in ClinVar's aggregate classification.

NM_001349206.2(LPIN1):c.879C>G (p.Val293=)

Genes: LPIN1 (lipin 1; plus strand), LOC126806147 (CDK7 strongly-dependent group 2 enhancer GRCh37_chr2:11919054-11920253; plus strand). Cytogenetic location: 2p25.1.
Variant type: single nucleotide variant.
Coding change: c.879C>G on transcript NM_001349206.2 (MANE Select); coding-DNA position 879, C replaced by G.
Protein change: p.Val293=; no amino-acid change (valine 293 retained).
Molecular consequence: synonymous variant. On other transcripts: non-coding transcript variant (1).
Genome position (GRCh38, 1-based): chr2:11,779,567, C>G. VCF-style: chr2-11779567-C-G. GRCh37 (hg19) VCF-style: chr2-11919693-C-G.
Other names: c.789C>G, p.Val263= (NM_001261427.3); c.1026C>G, p.Val342= (NM_001261428.3); c.771C>G, p.Val257= (NM_001349199.2, NM_001349200.2, NM_001349201.2 and 1 more transcripts); c.876C>G, p.Val292= (NM_001349202.2, NM_001349203.2); c.879C>G, p.Val293= (NM_001349204.2, NM_001349205.2); c.969C>G, p.Val323= (NM_001349207.2); c.918C>G, p.Val306= (NM_001349208.2).
Identifiers: ClinVar variation 893248 (VCV000893248.10), dbSNP rs150089043, ClinGen allele CA1533533.
Genomic context (GRCh38, chr2:11,779,567, plus strand): 5'-GTTTTCCTTAAGTCCTTCCGGTTCCCGACCTTCAACACCTAAAAGTGATTCAGAATTGGT[C>G]AGCAAGTCCACGGAAAGGACAGGGCAGAAGAACCCAGAAATGCTTTGGCTGTGGGGAGAG-3'
Protein context (NP_001336135.1, residues 283-303): PSTPKSDSEL[Val293=]SKSTERTGQK